The following is an entry in ClinVar:

ClinVar aggregate classification (germline): Uncertain significance (1 of 4 stars; one submission).

Submission:

Labcorp Genetics (formerly Invitae), Labcorp
Classification: Uncertain significance. Last evaluated: 2024-05-31. Review status: criteria provided, single submitter. Criteria: Invitae Variant Classification Sherloc (09022015). Collection method: clinical testing. Allele origin: germline.
Comment: This sequence change replaces proline, which is neutral and non-polar, with arginine, which is basic and polar, at codon 1444 of the DSCAML1 protein (p.Pro1444Arg). This variant is not present in population databases (gnomAD no frequency). This variant has not been reported in the literature in individuals affected with DSCAML1-related conditions. An algorithm developed to predict the effect of missense changes on protein structure and function (PolyPhen-2) suggests that this variant is likely to be disruptive. In summary, the available evidence is currently insufficient to determine the role of this variant in disease. Therefore, it has been classified as a Variant of Uncertain Significance.

NM_020693.4(DSCAML1):c.4151C>G (p.Pro1384Arg)

Gene: DSCAML1 (DS cell adhesion molecule like 1; minus strand). Cytogenetic location: 11q23.3.
Variant type: single nucleotide variant.
Coding change: c.4151C>G on transcript NM_020693.4 (MANE Select); coding-DNA position 4151, C replaced by G.
Protein change: p.Pro1384Arg; replaces proline 1384 with arginine.
Molecular consequence: missense variant.
Genome position (GRCh38, 1-based): chr11:117,438,977, G>C on the plus strand (C>G on the coding strand, the complement: DSCAML1 is on the minus strand). VCF-style: chr11-117438977-G-C. GRCh37 (hg19) VCF-style: chr11-117309693-G-C.
Other names: short protein forms P1384R.
Identifiers: ClinVar variation 3673132 (VCV003673132.2).